The following is an entry in ClinVar:

NM_006915.3(RP2):c.413A>G (p.Glu138Gly)

Gene: RP2 (RP2 activator of ARL3 GTPase; plus strand). Cytogenetic location: Xp11.3.
Variant type: single nucleotide variant.
Coding change: c.413A>G on transcript NM_006915.3 (MANE Select); coding-DNA position 413, A replaced by G.
Protein change: p.Glu138Gly; replaces glutamic acid 138 with glycine.
Molecular consequence: missense variant.
Genome position (GRCh38, 1-based): chrX:46,853,786, A>G. VCF-style: chrX-46853786-A-G. GRCh37 (hg19) VCF-style: chrX-46713221-A-G.
Other names: short protein forms E138G.
Identifiers: ClinVar variation 3724228 (VCV003724228.2).
Genomic context (GRCh38, chrX:46,853,786, plus strand): 5'-GTGTGCGAGATTGTAGAAAGCTGGAAGTCTTTTTGTGTTGTGCCACTCAACCCATCATTG[A>G]GTCTTCCTCAAATATCAAATTTGGATGTTTTCAATGGTACTATCCTGAATTAGCTTTCCA-3'
Protein context (NP_008846.2, residues 128-148): FLCCATQPII[Glu138Gly]SSSNIKFGCF

ClinVar aggregate classification (germline): Pathogenic (1 of 4 stars; one submission).

Submission:

Labcorp Genetics (formerly Invitae), Labcorp
Classification: Pathogenic. Last evaluated: 2024-10-13. Review status: criteria provided, single submitter. Criteria: Invitae Variant Classification Sherloc (09022015). Collection method: clinical testing. Allele origin: germline.
Comment: This sequence change replaces glutamic acid, which is acidic and polar, with glycine, which is neutral and non-polar, at codon 138 of the RP2 protein (p.Glu138Gly). This variant is not present in population databases (gnomAD no frequency). This missense change has been observed in individuals with X-linked retinitis pigmentosa (PMID: 11462235, 27768226, 30917587). It has also been observed to segregate with disease in related individuals. Invitae Evidence Modeling of protein sequence and biophysical properties (such as structural, functional, and spatial information, amino acid conservation, physicochemical variation, residue mobility, and thermodynamic stability) indicates that this missense variant is expected to disrupt RP2 protein function with a positive predictive value of 95%. Experimental studies have shown that this missense change affects RP2 function (PMID: 21738648, 28209709). For these reasons, this variant has been classified as Pathogenic.

Literature cited by the submitters: PubMed 11462235; PubMed 27768226; PubMed 30917587; PubMed 21738648; PubMed 28209709.